The following is an entry in ClinVar:

ClinVar aggregate classification (germline): Uncertain significance. Review status: criteria provided, multiple submitters, no conflicts (2 of 4 stars). 2 submissions from 2 submitters: Uncertain significance (2). Last evaluated 2025-08-04.

Submissions (2):

Ambry Genetics
Classification: Uncertain significance. Last evaluated: 2025-08-04. Review status: criteria provided, single submitter. Criteria: Ambry Variant Classification Scheme 2023. Collection method: clinical testing. Allele origin: germline.

Labcorp Genetics (formerly Invitae), Labcorp
Classification: Uncertain significance. Last evaluated: 2022-06-26. Review status: criteria provided, single submitter. Criteria: Invitae Variant Classification Sherloc (09022015). Collection method: clinical testing. Allele origin: germline.
Comment: Algorithms developed to predict the effect of missense changes on protein structure and function are either unavailable or do not agree on the potential impact of this missense change (SIFT: "Tolerated"; PolyPhen-2: "Probably Damaging"; Align-GVGD: "Class C0"). In summary, the available evidence is currently insufficient to determine the role of this variant in disease. Therefore, it has been classified as a Variant of Uncertain Significance. This variant has not been reported in the literature in individuals affected with POLG2-related conditions. This variant is not present in population databases (gnomAD no frequency). This sequence change replaces leucine, which is neutral and non-polar, with valine, which is neutral and non-polar, at codon 69 of the POLG2 protein (p.Leu69Val).

NM_007215.4(POLG2):c.205C>G (p.Leu69Val)

Genes: MILR1 (mast cell immunoglobulin like receptor 1; plus strand), POLG2 (DNA polymerase gamma 2, accessory subunit; minus strand). Cytogenetic location: 17q23.3.
Variant type: single nucleotide variant.
Coding change: c.205C>G on transcript NM_007215.4 (MANE Select); coding-DNA position 205, C replaced by G.
Protein change: p.Leu69Val; replaces leucine 69 with valine.
Molecular consequence: missense variant.
Genome position (GRCh38, 1-based): chr17:64,496,764, G>C on the plus strand (C>G on the coding strand, the complement: POLG2 is on the minus strand). VCF-style: chr17-64496764-G-C. GRCh37 (hg19) VCF-style: chr17-62492882-G-C.
Other names: c.205C>G (NM_007215.3); short protein forms L69V.
Identifiers: ClinVar variation 1908364 (VCV001908364.6), dbSNP rs2509561124, ClinGen allele CA400641426.
Genomic context (GRCh38, chr17:64,496,764, plus strand): 5'-CCCGGCTAAGCTGCTGCTTGCTTCCACTTAGGAAATGCCTTCTCTGACAGATCTCTAACA[G>C]CGCCTCGCTTCCCTCTCCAGACCCGGGGGCTTCTGGGTGCTCGCCGTTCCCCTCGAGCTC-3'
Protein context (NP_009146.2, residues 59-79): APGSGEGSEA[Leu69Val]LEICQRRHFL